The following is an entry in ClinVar:

NC_000003.11:g.(?_101283626)_(101284837_?)dup

Gene: TRMT10C (tRNA methyltransferase 10C, mitochondrial RNase P subunit; plus strand). Cytogenetic location: 3q12.3.
Variant type: Duplication.
Identifiers: ClinVar variation 1446657 (VCV001446657.5).

ClinVar aggregate classification (germline): Uncertain significance (1 of 4 stars; one submission).

Submission:

Labcorp Genetics (formerly Invitae), Labcorp
Classification: Uncertain significance. Last evaluated: 2022-08-23. Review status: criteria provided, single submitter. Criteria: Invitae Variant Classification Sherloc (09022015). Collection method: clinical testing. Allele origin: germline.
Comment: A copy number gain of the genomic region encompassing the full coding sequence of the TRMT10C gene has been identified. The boundaries of this event are unknown as they extend beyond the assayed region for this gene and therefore may encompass additional genes. As the precise location of this event is unknown, it may be in tandem or it may be located elsewhere in the genome. This variant has not been reported in the literature in individuals affected with TRMT10C-related conditions. In summary, the available evidence is currently insufficient to determine the role of this variant in disease. Therefore, it has been classified as a Variant of Uncertain Significance.